The following is an entry in ClinVar:

ClinVar aggregate classification (germline): Uncertain significance (1 of 4 stars; one submission).

Allele frequency attached by ClinVar (database versions not stated): gnomAD exomes 0.00004; 1000 Genomes Project 30x 0.00016; 1000 Genomes Project 0.00020; ESP Exome Variant Server 0.00038; gnomAD 0.00042 and 0.00044; TOPMed 0.00044.
gnomAD v4.1: 120 of 1,614,146 alleles (0.0074%); highest among the groups gnomAD compares: African/African-American, 0.15%; no homozygotes.

Submission:

Labcorp Genetics (formerly Invitae), Labcorp
Classification: Uncertain significance. Last evaluated: 2023-10-05. Review status: criteria provided, single submitter. Criteria: Invitae Variant Classification Sherloc (09022015). Collection method: clinical testing. Allele origin: germline.
Comment: This sequence change replaces histidine, which is basic and polar, with arginine, which is basic and polar, at codon 273 of the AK7 protein (p.His273Arg). This variant is present in population databases (rs145404707, gnomAD 0.2%), and has an allele count higher than expected for a pathogenic variant. This variant has not been reported in the literature in individuals affected with AK7-related conditions. ClinVar contains an entry for this variant (Variation ID: 1518328). Advanced modeling of protein sequence and biophysical properties (such as structural, functional, and spatial information, amino acid conservation, physicochemical variation, residue mobility, and thermodynamic stability) performed at Invitae indicates that this missense variant is not expected to disrupt AK7 protein function. In summary, the available evidence is currently insufficient to determine the role of this variant in disease. Therefore, it has been classified as a Variant of Uncertain Significance.

NM_152327.5(AK7):c.818A>G (p.His273Arg)

Gene: AK7 (adenylate kinase 7; plus strand). Cytogenetic location: 14q32.2.
Variant type: single nucleotide variant.
Coding change: c.818A>G on transcript NM_152327.5 (MANE Select); coding-DNA position 818, A replaced by G.
Protein change: p.His273Arg; replaces histidine 273 with arginine.
Molecular consequence: missense variant.
Genome position (GRCh38, 1-based): chr14:96,446,555, A>G. VCF-style: chr14-96446555-A-G. GRCh37 (hg19) VCF-style: chr14-96912892-A-G.
Other names: c.818A>G, p.His273Arg (NM_001350888.2, NM_001350890.2, NM_001350891.2 and 1 more transcripts); short protein forms H273R.
Identifiers: ClinVar variation 1518328 (VCV001518328.6), dbSNP rs145404707, ClinGen allele CA7337636.